The following is an entry in ClinVar:

NM_032578.4(MYPN):c.578A>G (p.Gln193Arg)

Gene: MYPN (myopalladin; plus strand). Cytogenetic location: 10q21.3.
Variant type: single nucleotide variant.
Coding change: c.578A>G on transcript NM_032578.4 (MANE Select); coding-DNA position 578, A replaced by G.
Protein change: p.Gln193Arg; replaces glutamine 193 with arginine.
Molecular consequence: missense variant. On other transcripts: 5 prime UTR variant (1), non-coding transcript variant (1).
Genome position (GRCh38, 1-based): chr10:68,122,016, A>G. VCF-style: chr10-68122016-A-G. GRCh37 (hg19) VCF-style: chr10-69881773-A-G.
Other names: c.578A>G, p.Gln193Arg (NM_001256267.2); c.-545A>G (NM_001256268.2); c.578A>G (NM_032578.2); short protein forms Q193R.
Identifiers: ClinVar variation 373107 (VCV000373107.23), dbSNP rs573684358, ClinGen allele CA5522291.

ClinVar aggregate classification (germline): Conflicting classifications of pathogenicity. Review status: criteria provided, conflicting classifications (1 of 4 stars). 8 submissions from 8 submitters: Uncertain significance (3); Likely benign (4). 1 of the submissions does not count toward it. Last evaluated 2025-07-01.

Conditions:
Dilated cardiomyopathy 1KK (CMD1KK). Identifiers: Orphanet 154, Orphanet 75249, MedGen C3714995, MONDO:0014100, OMIM 615248.
Hypertrophic cardiomyopathy. Also called: HYPERTROPHIC MYOCARDIOPATHY. Identifiers: Orphanet 217569, MedGen C0007194, MeSH D002312, MONDO:0005045, HP:0001639.
Cardiovascular phenotype. Identifiers: MedGen CN230736.

Allele frequency attached by ClinVar (database versions not stated): gnomAD 0.00004 and 0.00009; TOPMed 0.00007; gnomAD exomes 0.00012 and 0.00022; ExAC 0.00024.
gnomAD v4.1: 185 of 1,614,246 alleles (0.011%); highest among the groups gnomAD compares: South Asian, 0.15%; 2 homozygotes.

Submissions (8):

CeGaT Center for Human Genetics Tuebingen
Classification: Likely benign. Last evaluated: 2025-07-01. Review status: criteria provided, single submitter. Criteria: CeGaT Center For Human Genetics Tuebingen Variant Classification Criteria Version 2. Collection method: clinical testing. Allele origin: germline. Affected: yes. Observed: 1 variant allele.
Comment: MYPN: BP4

Ambry Genetics
Classification: Likely benign for Cardiovascular phenotype. Last evaluated: 2025-03-26. Review status: criteria provided, single submitter. Criteria: Ambry Variant Classification Scheme 2023. Collection method: clinical testing. Allele origin: germline.

Women's Health and Genetics/Laboratory Corporation of America, LabCorp
Classification: Likely benign. Last evaluated: 2025-02-03. Review status: criteria provided, single submitter. Criteria: LabCorp Variant Classification Summary - May 2015. Collection method: clinical testing. Allele origin: germline.

Labcorp Genetics (formerly Invitae), Labcorp
Classification: Uncertain significance for Dilated cardiomyopathy 1KK. Last evaluated: 2024-10-18. Review status: criteria provided, single submitter. Criteria: Invitae Variant Classification Sherloc (09022015). Collection method: clinical testing. Allele origin: germline.
Comment: This sequence change replaces glutamine, which is neutral and polar, with arginine, which is basic and polar, at codon 193 of the MYPN protein (p.Gln193Arg). This variant is present in population databases (rs573684358, gnomAD 0.2%). This variant has not been reported in the literature in individuals affected with MYPN-related conditions. ClinVar contains an entry for this variant (Variation ID: 373107). An algorithm developed to predict the effect of missense changes on protein structure and function (PolyPhen-2) suggests that this variant is likely to be disruptive. In summary, the available evidence is currently insufficient to determine the role of this variant in disease. Therefore, it has been classified as a Variant of Uncertain Significance.

Blueprint Genetics
Classification: Likely benign. Last evaluated: 2024-03-18. Review status: criteria provided, single submitter. Criteria: ACMG Guidelines, 2015. Collection method: clinical testing. Allele origin: germline.

Revvity Omics, Revvity
Classification: Uncertain significance. Last evaluated: 2023-03-29. Review status: criteria provided, single submitter. Criteria: ACMG Guidelines, 2015. Collection method: clinical testing. Allele origin: germline.

GeneDx
Classification: Uncertain significance. Last evaluated: 2016-11-11. Review status: criteria provided, single submitter. Criteria: GeneDx Variant Classification (06012015). Collection method: clinical testing. Allele origin: germline. Affected: yes.
Comment: A variant of uncertain significance has been identified in the MYPN gene. The Q193R variant has not been published as a pathogenic variant, nor has it been reported as a benign variant to our knowledge. While this variant was not observed in approximately 6,500 individuals of European and African American ancestry in the NHLBI Exome Sequencing Project, it has been reported in 0.16% of individuals of South Asian ancestry in the Exome Aggregation Consortium. This substitution occurs at a position that is only conserved in mammals and in silico analysis is inconsistent in its predictions as to whether or not the variant is damaging to the protein structure/function. Nevertheless, the Q193R variant is a semi-conservative amino acid substitution, which may impact secondary protein structure as these residues differ in some properties.Therefore, based on the currently available information, it is unclear whether this variant is pathogenic or rare benign. This result cannot be interpreted for diagnosis or used for family member screening at this time.

Zaffran Lab, Genetics of Cardiac Diseases Laboratory, Marseille Medical Genetics
Classification: Uncertain significance for hypertrophic cardiomyopathy. Review status: no assertion criteria provided. Collection method: research. Allele origin: unknown. Affected: yes. Not counted in ClinVar's aggregate classification.